The following is an entry in ClinVar:

ClinVar aggregate classification (germline): Uncertain significance. Review status: criteria provided, multiple submitters, no conflicts (2 of 4 stars). 2 submissions from 2 submitters: Uncertain significance (2). Last evaluated 2025-11-27.

Conditions:
GATA4-related disorder. Also called: GATA4-related condition. Identifiers: MedGen CN860321.
Atrioventricular septal defect 4 (AVSD4). Identifiers: MedGen C3280781, MONDO:0013747, OMIM 614430.

Allele frequency attached by ClinVar (database versions not stated): ExAC 0.00002; gnomAD exomes 0.00002; TOPMed 0.00006; gnomAD 0.00009; 1000 Genomes Project 30x 0.00031.
gnomAD v4.1: 52 of 1,614,204 alleles (0.0032%); highest among the groups gnomAD compares: African/African-American, 0.027%; no homozygotes.

Submissions (2):

Labcorp Genetics (formerly Invitae), Labcorp
Classification: Uncertain significance for Atrioventricular septal defect 4. Last evaluated: 2025-11-27. Review status: criteria provided, single submitter. Criteria: Invitae Variant Classification Sherloc (09022015). Collection method: clinical testing. Allele origin: germline.
Comment: This sequence change replaces threonine, which is neutral and polar, with methionine, which is neutral and non-polar, at codon 366 of the GATA4 protein (p.Thr366Met). This variant is present in population databases (rs781198110, gnomAD 0.02%). This variant has not been reported in the literature in individuals affected with GATA4-related conditions. ClinVar contains an entry for this variant (Variation ID: 404062). Invitae Evidence Modeling of protein sequence and biophysical properties (such as structural, functional, and spatial information, amino acid conservation, physicochemical variation, residue mobility, and thermodynamic stability) indicates that this missense variant is not expected to disrupt GATA4 protein function with a negative predictive value of 95%. In summary, the available evidence is currently insufficient to determine the role of this variant in disease. Therefore, it has been classified as a Variant of Uncertain Significance.

PreventionGenetics, part of Exact Sciences
Classification: Uncertain significance for GATA4-related condition. Last evaluated: 2025-06-30. Review status: criteria provided, single submitter. Criteria: ACMG Guidelines, 2015. Collection method: clinical testing. Allele origin: germline.
Comment: The GATA4 c.1097C>T variant is predicted to result in the amino acid substitution p.Thr366Met. To our knowledge, this variant has not been reported in the literature. This variant is reported in 0.016% of alleles in individuals of African descent in gnomAD. Although we suspect that this variant may be benign, at this time, the clinical significance of this variant is uncertain due to the absence of conclusive functional and genetic evidence.

NM_001308093.3(GATA4):c.1100C>T (p.Thr367Met)

Gene: GATA4 (GATA binding protein 4). Cytogenetic location: 8p23.1.
Variant type: single nucleotide variant.
Coding change: c.1100C>T on transcript NM_001308093.3 (MANE Select); coding-DNA position 1100, C replaced by T.
Protein change: p.Thr367Met; replaces threonine 367 with methionine.
Molecular consequence: missense variant.
Genome position (GRCh38, 1-based): chr8:11,757,034, C>T. VCF-style: chr8-11757034-C-T. GRCh37 (hg19) VCF-style: chr8-11614543-C-T.
Other names: c.479C>T, p.Thr160Met (NM_001308094.2, NM_001374273.1); c.353C>T, p.Thr118Met (NM_001374274.1); c.1097C>T, p.Thr366Met (NM_002052.5); c.1097C>T (NM_002052.4); short protein forms T366M, T367M, T160M, T118M.
Identifiers: ClinVar variation 404062 (VCV000404062.14), dbSNP rs781198110, ClinGen allele CA4630827.